The following is an entry in ClinVar:

NM_000051.4(ATM):c.6006+1G>A

Genes: C11orf65 (chromosome 11 open reading frame 65; minus strand), ATM (ATM serine/threonine kinase; plus strand). Cytogenetic location: 11q22.3.
Variant type: single nucleotide variant.
Coding change: c.6006+1G>A on transcript NM_000051.4 (MANE Select); the canonical splice donor site of the intron after coding-DNA position 6006, G replaced by A.
Molecular consequence: splice donor variant. On other transcripts: intron variant (2).
Genome position (GRCh38, 1-based): chr11:108,312,499, G>A. VCF-style: chr11-108312499-G-A. GRCh37 (hg19) VCF-style: chr11-108183226-G-A.
Other names: c.6006+1G>A (NM_001351834.2); c.641-3428C>T (NM_001330368.2); c.*39-3428C>T (NM_001351110.2).
Identifiers: ClinVar variation 185229 (VCV000185229.13), dbSNP rs786202016, ClinGen allele CA191382.
Genomic context (GRCh38, chr11:108,312,499, plus strand): 5'-AGTACAACTATTTCTAGCTTGAGTGAAAAAAGTAAAGAAGAAACTGGAATAAGTTTACAG[G>A]TAAATATTAGAGGCTCTATTATTTATGACAGTATTTATCTCATACTTTGGGTTATTTTGT-3'

ClinVar aggregate classification (germline): Pathogenic/Likely pathogenic. Review status: criteria provided, multiple submitters, no conflicts (2 of 4 stars). 3 submissions from 3 submitters: Pathogenic (1); Likely pathogenic (2). Last evaluated 2026-01-18.

Conditions:
Hereditary cancer-predisposing syndrome. Also called: Hereditary Cancer Syndrome; Tumor predisposition; Neoplastic Syndromes, Hereditary; Hereditary neoplastic syndrome. Identifiers: Orphanet 140162, MedGen C0027672, MeSH D009386, MONDO:0015356.
Familial cancer of breast. Also called: hereditary breast carcinoma; BREAST CANCER, FAMILIAL; Hereditary breast cancer. Identifiers: Orphanet 227535, MedGen C0346153, MONDO:0016419, OMIM 114480. Disease mechanism: loss of function.
Ataxia-telangiectasia syndrome (AT). Also called: ATAXIA-TELANGIECTASIA, COMPLEMENTATION GROUP A; ATAXIA-TELANGIECTASIA, FRESNO VARIANT; Ataxia-telangiectasia; Ataxia-telangiectasia, complementation group E; Cerebello-oculocutaneous telangiectasia; Immunodeficiency with ataxia telangiectasia. Identifiers: Orphanet 100, MedGen C0004135, MONDO:0008840, OMIM 208900.

gnomAD v4.1: 1 of 1,542,256 alleles (0.000065%); no homozygotes.

Submissions (3):

Labcorp Genetics (formerly Invitae), Labcorp
Classification: Pathogenic for Ataxia-telangiectasia syndrome. Last evaluated: 2026-01-18. Review status: criteria provided, single submitter. Criteria: Invitae Variant Classification Sherloc (09022015). Collection method: clinical testing. Allele origin: germline.
Comment: This sequence change affects a donor splice site in intron 40 of the ATM gene. It is expected to disrupt RNA splicing. Variants that disrupt the donor or acceptor splice site typically lead to a loss of protein function (PMID: 16199547), and loss-of-function variants in ATM are known to be pathogenic (PMID: 23807571, 25614872). This variant is not present in population databases (gnomAD no frequency). Disruption of this splice site has been observed in individual(s) with ataxia-telangiectasia (internal data). In at least one individual the data is consistent with being in trans (on the opposite chromosome) from a pathogenic variant. ClinVar contains an entry for this variant (Variation ID: 185229). Algorithms developed to predict the effect of sequence changes on RNA splicing suggest that this variant may disrupt the consensus splice site. For these reasons, this variant has been classified as Pathogenic.

Myriad Genetics, Inc.
Classification: Likely pathogenic for Familial cancer of breast. Last evaluated: 2024-01-26. Review status: criteria provided, single submitter. Criteria: Myriad Autosomal Dominant, Autosomal Recessive and X-Linked Classification Criteria (2023). Collection method: clinical testing. Allele origin: unknown.
Comment: This variant is considered likely pathogenic. This variant occurs within a consensus splice junction and is predicted to result in abnormal mRNA splicing of either an out-of-frame exon or an in-frame exon necessary for protein stability and/or normal function.

Ambry Genetics
Classification: Likely pathogenic for Hereditary cancer-predisposing syndrome. Last evaluated: 2022-06-01. Review status: criteria provided, single submitter. Criteria: Ambry Variant Classification Scheme 2023. Collection method: clinical testing. Allele origin: germline.
Comment: The c.6006+1G>A intronic variant results from a G to A substitution one nucleotide after coding exon 39 of the ATM gene. This variant is considered to be rare based on population cohorts in the Genome Aggregation Database (gnomAD). This nucleotide position is highly conserved in available vertebrate species. In silico splice site analysis predicts that this alteration will weaken the native splice donor site. Alterations that disrupt the canonical splice site are expected to cause aberrant splicing, resulting in an abnormal protein or a transcript that is subject to nonsense-mediated mRNA decay. As such, this alteration is classified as likely pathogenic.

Literature cited by the submitters: PubMed 16199547 (cited by Labcorp Genetics (formerly Invitae), Labcorp); PubMed 23807571 (cited by Labcorp Genetics (formerly Invitae), Labcorp); PubMed 25614872 (cited by Labcorp Genetics (formerly Invitae), Labcorp).